The following is an entry in ClinVar:

ClinVar aggregate classification (germline): Benign/Likely benign. Review status: criteria provided, multiple submitters, no conflicts (2 of 4 stars). 3 submissions from 3 submitters: Benign (1); Likely benign (2). Last evaluated 2026-01-17.

Conditions:
GANAB-related disorder. Also called: GANAB-related condition.

Allele frequency attached by ClinVar (database versions not stated): gnomAD exomes 0.00008; gnomAD 0.00019; TOPMed 0.00028; ExAC 0.00038; 1000 Genomes Project 30x 0.00094; 1000 Genomes Project 0.00120.
gnomAD v4.1: 154 of 1,592,666 alleles (0.0097%); highest among the groups gnomAD compares: East Asian, 0.29%; no homozygotes.

Submissions (3):

Labcorp Genetics (formerly Invitae), Labcorp
Classification: Benign. Last evaluated: 2026-01-17. Review status: criteria provided, single submitter. Criteria: Invitae Variant Classification Sherloc (09022015). Collection method: clinical testing. Allele origin: germline.

PreventionGenetics, part of Exact Sciences
Classification: Likely benign for GANAB-related condition. Last evaluated: 2025-02-05. Review status: criteria provided, single submitter. Criteria: ACMG Guidelines, 2015. Collection method: clinical testing. Allele origin: germline.
Comment: This variant is classified as likely benign based on ACMG/AMP sequence variant interpretation guidelines (Richards et al. 2015 PMID: 25741868, with internal and published modifications).

Blueprint Genetics
Classification: Likely benign. Last evaluated: 2024-09-18. Review status: criteria provided, single submitter. Criteria: ACMG Guidelines, 2015. Collection method: clinical testing. Allele origin: germline.

NM_198334.3(GANAB):c.1012A>G (p.Met338Val)

Gene: GANAB (glucosidase II alpha subunit; minus strand). Cytogenetic location: 11q12.3.
Variant type: single nucleotide variant.
Coding change: c.1012A>G on transcript NM_198334.3 (MANE Select); coding-DNA position 1012, A replaced by G.
Protein change: p.Met338Val; replaces methionine 338 with valine.
Molecular consequence: missense variant.
Genome position (GRCh38, 1-based): chr11:62,631,168, T>C on the plus strand (A>G on the coding strand, the complement: GANAB is on the minus strand). VCF-style: chr11-62631168-T-C. GRCh37 (hg19) VCF-style: chr11-62398640-T-C.
Other names: c.736A>G, p.Met246Val (NM_001278192.2); c.670A>G, p.Met224Val (NM_001278193.2); c.721A>G, p.Met241Val (NM_001278194.2, NM_001329222.2, NM_001329223.2); c.289A>G, p.Met97Val (NM_001329224.2, NM_001329225.2); c.1078A>G, p.Met360Val (NM_198335.4); c.1078A>G (NM_198335.3); short protein forms M97V, M241V, M246V, M338V, M360V, M224V.
Identifiers: ClinVar variation 2195027 (VCV002195027.6), dbSNP rs137909090, ClinGen allele CA6050882.